The following is an entry in ClinVar:

NM_001365951.3(KIF1B):c.3688+1007A>G

Gene: KIF1B (kinesin family member 1B; plus strand). Cytogenetic location: 1p36.22.
Variant type: single nucleotide variant.
Coding change: c.3688+1007A>G on transcript NM_001365951.3 (MANE Select); 1007 bases into the intron after coding-DNA position 3688, A replaced by G.
Molecular consequence: intron variant.
Genome position (GRCh38, 1-based): chr1:10,344,294, A>G. VCF-style: chr1-10344294-A-G. GRCh37 (hg19) VCF-style: chr1-10404352-A-G.
Other names: c.3550+1007A>G (NM_015074.3); c.3688+1007A>G (NM_001365952.1).
Identifiers: ClinVar variation 3257288 (VCV003257288.17).

ClinVar aggregate classification (germline): Likely benign (1 of 4 stars; one submission).

gnomAD v4.1: 36 of 152,332 alleles (0.024%); highest among the groups gnomAD compares: South Asian, 0.31%; 1 homozygote.

Submission:

CeGaT Center for Human Genetics Tuebingen
Classification: Likely benign. Last evaluated: 2024-07-01. Review status: criteria provided, single submitter. Criteria: CeGaT Center For Human Genetics Tuebingen Variant Classification Criteria Version 2. Collection method: clinical testing. Allele origin: germline. Affected: yes. Observed: 2 variant alleles.
Comment: KIF1B: BP4, BS1